The following is an entry in ClinVar:

ClinVar aggregate classification (germline): Conflicting classifications of pathogenicity. Review status: criteria provided, conflicting classifications (1 of 4 stars). 3 submissions from 3 submitters: Uncertain significance (1); Likely benign (2). Last evaluated 2025-07-18.

Conditions:
Hereditary cancer-predisposing syndrome. Also called: Hereditary neoplastic syndrome; Neoplastic Syndromes, Hereditary; Hereditary Cancer Syndrome; Tumor predisposition. Identifiers: Orphanet 140162, MedGen C0027672, MeSH D009386, MONDO:0015356.
Hereditary breast ovarian cancer syndrome. Also called: Hereditary breast and/or ovarian cancer syndrome; Hereditary breast and ovarian cancer syndrome (HBOC); Breast and ovarian cancer; Hereditary breast and ovarian cancer; Hereditary breast and ovarian cancer syndrome; BRCA1- and BRCA2-Associated Hereditary Breast and Ovarian Cancer. Identifiers: Orphanet 145, MedGen C0677776, MeSH D061325, MONDO:0003582. Disease mechanism: loss of function.

Allele frequency attached by ClinVar (database versions not stated): gnomAD exomes below 0.00001.
gnomAD v4.1: 1 of 1,546,426 alleles (0.000065%); highest among the groups gnomAD compares: Non-Finnish European, 0.000087%; no homozygotes.

Submissions (3):

Labcorp Genetics (formerly Invitae), Labcorp
Classification: Uncertain significance for Hereditary breast ovarian cancer syndrome. Last evaluated: 2025-07-18. Review status: criteria provided, single submitter. Criteria: Invitae Variant Classification Sherloc (09022015). Collection method: clinical testing. Allele origin: germline.
Comment: This sequence change replaces serine, which is neutral and polar, with asparagine, which is neutral and polar, at codon 1284 of the BRCA2 protein (p.Ser1284Asn). This variant is not present in population databases (gnomAD no frequency). This variant has not been reported in the literature in individuals affected with BRCA2-related conditions. ClinVar contains an entry for this variant (Variation ID: 1485645). Invitae Evidence Modeling of protein sequence and biophysical properties (such as structural, functional, and spatial information, amino acid conservation, physicochemical variation, residue mobility, and thermodynamic stability) indicates that this missense variant is not expected to disrupt BRCA2 protein function with a negative predictive value of 95%. In summary, the available evidence is currently insufficient to determine the role of this variant in disease. Therefore, it has been classified as a Variant of Uncertain Significance.

Ambry Genetics
Classification: Likely benign for Hereditary cancer-predisposing syndrome. Last evaluated: 2025-06-25. Review status: criteria provided, single submitter. Criteria: Ambry Variant Classification Scheme 2023. Collection method: clinical testing. Allele origin: germline.

University of Washington Department of Laboratory Medicine, University of Washington
Classification: Likely benign for Hereditary cancer-predisposing syndrome. Last evaluated: 2023-03-23. Review status: criteria provided, single submitter. Criteria: Dines et al. (Genet Med. 2020). Collection method: curation. Allele origin: germline.
Comment: Missense variant in a coldspot region where missense variants are very unlikely to be pathogenic (PMID:31911673).

BRCA2 exon 11 coldspot. Reclassification based on statistical prior probability.

NM_000059.4(BRCA2):c.3851G>A (p.Ser1284Asn)

Gene: BRCA2 (BRCA2 DNA repair associated; plus strand). Cytogenetic location: 13q13.1.
Variant type: single nucleotide variant.
Coding change: c.3851G>A on transcript NM_000059.4 (MANE Select); coding-DNA position 3851, G replaced by A.
Protein change: p.Ser1284Asn; replaces serine 1284 with asparagine.
Molecular consequence: missense variant.
Genome position (GRCh38, 1-based): chr13:32,338,206, G>A. VCF-style: chr13-32338206-G-A. GRCh37 (hg19) VCF-style: chr13-32912343-G-A.
Other names: c.3851G>A (NM_000059.3); short protein forms S1284N.
Identifiers: ClinVar variation 1485645 (VCV001485645.9), dbSNP rs2137500607, ClinGen allele CA387778615.